The following is an entry in ClinVar:

NM_000466.3(PEX1):c.1638T>A (p.Phe546Leu)

Gene: PEX1 (peroxisomal biogenesis factor 1; minus strand). Cytogenetic location: 7q21.2.
Variant type: single nucleotide variant.
Coding change: c.1638T>A on transcript NM_000466.3 (MANE Select); coding-DNA position 1638, T replaced by A.
Protein change: p.Phe546Leu; replaces phenylalanine 546 with leucine.
Molecular consequence: missense variant.
Genome position (GRCh38, 1-based): chr7:92,509,361, A>T on the plus strand (T>A on the coding strand, the complement: PEX1 is on the minus strand). VCF-style: chr7-92509361-A-T. GRCh37 (hg19) VCF-style: chr7-92138675-A-T.
Other names: c.1638T>A, p.Phe546Leu (NM_001282677.2); c.1014T>A, p.Phe338Leu (NM_001282678.2); short protein forms F338L, F546L.
Identifiers: ClinVar variation 951246 (VCV000951246.11), dbSNP rs1397315670, ClinGen allele CA368188288.

ClinVar aggregate classification (germline): Uncertain significance. Review status: criteria provided, single submitter (1 of 4 stars). 2 submissions from 2 submitters: Uncertain significance (1). 1 of the submissions does not count toward it. Last evaluated 2021-09-02.

Conditions:
Zellweger spectrum disorders (ZS). Also called: Zellweger syndrome; Zellweger Spectrum Disorder (ZSD); Zellweger Spectrum Disorder; Zellweger Spectrum. Identifiers: Orphanet 912, MedGen C0043459, MONDO:0019609.

Allele frequency attached by ClinVar (database versions not stated): gnomAD exomes below 0.00001; TOPMed below 0.00001.
gnomAD v4.1: 3 of 1,613,084 alleles (0.00019%); no homozygotes.

Submissions (2):

Labcorp Genetics (formerly Invitae), Labcorp
Classification: Uncertain significance for Zellweger spectrum disorders. Last evaluated: 2021-09-02. Review status: criteria provided, single submitter. Criteria: Invitae Variant Classification Sherloc (09022015). Collection method: clinical testing. Allele origin: germline.
Comment: This sequence change replaces phenylalanine with leucine at codon 546 of the PEX1 protein (p.Phe546Leu). The phenylalanine residue is weakly conserved and there is a small physicochemical difference between phenylalanine and leucine. This variant is not present in population databases (ExAC no frequency). This variant has not been reported in the literature in individuals affected with PEX1-related conditions. ClinVar contains an entry for this variant (Variation ID: 951246). Algorithms developed to predict the effect of missense changes on protein structure and function output the following: SIFT: "Tolerated"; PolyPhen-2: "Benign"; Align-GVGD: "Class C0". The leucine amino acid residue is found in multiple mammalian species, which suggests that this missense change does not adversely affect protein function. In summary, the available evidence is currently insufficient to determine the role of this variant in disease. Therefore, it has been classified as a Variant of Uncertain Significance.

Natera, Inc.
Classification: Uncertain significance for Zellweger syndrome. Last evaluated: 2020-03-24. Review status: no assertion criteria provided. Collection method: clinical testing. Allele origin: germline. Not counted in ClinVar's aggregate classification.